The following is an entry in ClinVar:

ClinVar aggregate classification (germline): Uncertain significance. Review status: criteria provided, multiple submitters, no conflicts (2 of 4 stars). 2 submissions from 2 submitters: Uncertain significance (2). Last evaluated 2025-03-10.

Conditions:
Hereditary cancer-predisposing syndrome. Also called: Hereditary Cancer Syndrome; Neoplastic Syndromes, Hereditary; Hereditary neoplastic syndrome; Tumor predisposition. Identifiers: Orphanet 140162, MedGen C0027672, MeSH D009386, MONDO:0015356.
Fanconi anemia (FA). Also called: Fanconi's anemia. Identifiers: Orphanet 84, MedGen C0015625, MeSH D005199, MONDO:0019391.

Allele frequency attached by ClinVar (database versions not stated): gnomAD exomes below 0.00001.
gnomAD v4.1: 3 of 1,614,216 alleles (0.00019%); highest among the groups gnomAD compares: Non-Finnish European, 0.00025%; no homozygotes.

Submissions (2):

Labcorp Genetics (formerly Invitae), Labcorp
Classification: Uncertain significance for Fanconi anemia. Last evaluated: 2025-03-10. Review status: criteria provided, single submitter. Criteria: Invitae Variant Classification Sherloc (09022015). Collection method: clinical testing. Allele origin: germline.
Comment: This sequence change replaces histidine, which is basic and polar, with tyrosine, which is neutral and polar, at codon 502 of the FANCC protein (p.His502Tyr). This variant is not present in population databases (gnomAD no frequency). This variant has not been reported in the literature in individuals affected with FANCC-related conditions. ClinVar contains an entry for this variant (Variation ID: 2741979). Invitae Evidence Modeling of protein sequence and biophysical properties (such as structural, functional, and spatial information, amino acid conservation, physicochemical variation, residue mobility, and thermodynamic stability) indicates that this missense variant is not expected to disrupt FANCC protein function with a negative predictive value of 80%. In summary, the available evidence is currently insufficient to determine the role of this variant in disease. Therefore, it has been classified as a Variant of Uncertain Significance.

Ambry Genetics
Classification: Uncertain significance for Hereditary cancer-predisposing syndrome. Last evaluated: 2025-01-10. Review status: criteria provided, single submitter. Criteria: Ambry Variant Classification Scheme 2023. Collection method: clinical testing. Allele origin: germline.
Comment: The p.H502Y variant (also known as c.1504C>T), located in coding exon 13 of the FANCC gene, results from a C to T substitution at nucleotide position 1504. The histidine at codon 502 is replaced by tyrosine, an amino acid with similar properties. This amino acid position is conserved. In addition, this alteration is predicted to be tolerated by in silico analysis. Based on the available evidence, the clinical significance of this variant remains unclear.

NM_000136.3(FANCC):c.1504C>T (p.His502Tyr)

Genes: FANCC (FA complementation group C; minus strand), AOPEP (aminopeptidase O (putative); plus strand). Cytogenetic location: 9q22.32.
Variant type: single nucleotide variant.
Coding change: c.1504C>T on transcript NM_000136.3 (MANE Select); coding-DNA position 1504, C replaced by T.
Protein change: p.His502Tyr; replaces histidine 502 with tyrosine.
Molecular consequence: missense variant.
Genome position (GRCh38, 1-based): chr9:95,107,095, G>A on the plus strand (C>T on the coding strand, the complement: FANCC is on the minus strand). VCF-style: chr9-95107095-G-A. GRCh37 (hg19) VCF-style: chr9-97869377-G-A.
Other names: c.1504C>T, p.His502Tyr (NM_001243743.2); short protein forms H502Y.
Identifiers: ClinVar variation 2741979 (VCV002741979.4), dbSNP rs2540808352, ClinGen allele CA374105574.